The following is an entry in ClinVar:

ClinVar aggregate classification (germline): Conflicting classifications of pathogenicity. Review status: criteria provided, conflicting classifications (1 of 4 stars). 3 submissions from 3 submitters: Pathogenic (1); Uncertain significance (1). 1 of the submissions does not count toward it. Last evaluated 2025-05-16.

Submissions (3):

GeneDx
Classification: Uncertain significance. Last evaluated: 2025-05-16. Review status: criteria provided, single submitter. Criteria: GeneDx Variant Classification Process June 2021. Collection method: clinical testing. Allele origin: germline. Affected: yes.
Comment: Not observed at significant frequency in large population cohorts (gnomAD); In silico analysis suggests that this missense variant does not alter protein structure/function; This variant is associated with the following publications: (PMID: 28272453, 9618178)

Labcorp Genetics (formerly Invitae), Labcorp
Classification: Pathogenic. Last evaluated: 2022-10-17. Review status: criteria provided, single submitter. Criteria: Invitae Variant Classification Sherloc (09022015). Collection method: clinical testing. Allele origin: germline.
Comment: For these reasons, this variant has been classified as Pathogenic. This variant disrupts the p.Tyr65 amino acid residue in RS1. Other variant(s) that disrupt this residue have been determined to be pathogenic (PMID: 33460243). This suggests that this residue is clinically significant, and that variants that disrupt this residue are likely to be disease-causing. Advanced modeling of protein sequence and biophysical properties (such as structural, functional, and spatial information, amino acid conservation, physicochemical variation, residue mobility, and thermodynamic stability) performed at Invitae indicates that this missense variant is expected to disrupt RS1 protein function. ClinVar contains an entry for this variant (Variation ID: 98911). This missense change has been observed in individuals with retinoschisis (PMID: 9618178, 28272453; Invitae). This variant is not present in population databases (gnomAD no frequency). This sequence change replaces tyrosine, which is neutral and polar, with cysteine, which is neutral and slightly polar, at codon 65 of the RS1 protein (p.Tyr65Cys).

Retina International
No classification provided. Review status: no classification provided. Collection method: not provided. Allele origin: unknown. Not counted in ClinVar's aggregate classification.

Literature cited by the submitters: PubMed 33460243 (cited by Labcorp Genetics (formerly Invitae), Labcorp); PubMed 9618178 (cited by Labcorp Genetics (formerly Invitae), Labcorp); PubMed 28272453 (cited by Labcorp Genetics (formerly Invitae), Labcorp).

NM_000330.4(RS1):c.194A>G (p.Tyr65Cys)

Genes: CDKL5 (cyclin dependent kinase like 5; plus strand), RS1 (retinoschisin 1; minus strand). Cytogenetic location: Xp22.13.
Variant type: single nucleotide variant.
Coding change: c.194A>G on transcript NM_000330.4 (MANE Select); coding-DNA position 194, A replaced by G.
Protein change: p.Tyr65Cys; replaces tyrosine 65 with cysteine.
Molecular consequence: missense variant. On other transcripts: intron variant (2).
Genome position (GRCh38, 1-based): chrX:18,647,323, T>C on the plus strand (A>G on the coding strand, the complement: RS1 is on the minus strand). VCF-style: chrX-18647323-T-C. GRCh37 (hg19) VCF-style: chrX-18665443-T-C.
Other names: c.2797+1233T>C (NM_003159.3, NM_001037343.2); short protein forms Y65C.
Identifiers: ClinVar variation 98911 (VCV000098911.13), dbSNP rs62645892, ClinGen allele CA226609.